The following is an entry in ClinVar:

ClinVar aggregate classification (germline): Pathogenic (1 of 4 stars; one submission).

Conditions:
Leukocyte adhesion deficiency 3. Also called: INTEGRIN ACTIVATION DEFICIENCY DISEASE; LEUKOCYTE ADHESION DEFICIENCY 1 VARIANT; Leukocyte adhesion deficiency, type III. Identifiers: Orphanet 2968, Orphanet 99844, MedGen C2748536, MONDO:0013016, OMIM 612840.

Submission:

Rady Children's Institute for Genomic Medicine, Rady Children's Hospital San Diego
Classification: Pathogenic for LEUKOCYTE ADHESION DEFICIENCY, TYPE III. Review status: criteria provided, single submitter. Criteria: ACMG Guidelines, 2015. Collection method: clinical testing. Allele origin: germline. Affected: yes.
Comment: This frameshifting variant in exon 13 of 15 introduces a premature stop codon and is therefore predicted to result in loss of normal protein function through either protein truncation or nonsense-mediated mRNA decay (NMD). This variant has not been previously reported or functionally characterized in the literature to our knowledge. A loss-of-function variant further 3' to this variant has been previously reported in patients with Leukocyte adhesion deficiency type 3 (PMID: 20216991, 31589614), and loss-of-function variants in FERMT3 are known to be disease causing (HGMD; ClinVar database; PMID: 19064721, 19234463, 22134107). It is absent from the gnomAD population database and thus is presumed to be rare. Based on the available evidence, the c.1613_1614del (p.Glu538GlyfsTer76) variant is classified as Pathogenic.

NM_031471.6(FERMT3):c.1601_1602del (p.Glu534fs)

Gene: FERMT3 (FERM domain containing kindlin 3; plus strand). Cytogenetic location: 11q13.1.
Variant type: Microsatellite.
Coding change: c.1601_1602del on transcript NM_031471.6 (MANE Select); coding-DNA positions 1601 to 1602, 2 bases deleted (AG; older notation c.1601_1602delAG).
Protein change: p.Glu534fs; shifts the reading frame from glutamic acid 534.
Molecular consequence: frameshift variant.
Genome position (GRCh38, 1-based): chr11:64,221,071-64,221,072, AG deleted; deleting any 2 consecutive bases within chr11:64,221,069-64,221,072 gives the same sequence; the c. name uses the placement nearest the transcript's 3' end. VCF-style (leftmost placement, unchanged base first): chr11-64221068-CAG-C. GRCh37 (hg19) VCF-style: chr11-63988540-CAG-C.
Other names: c.1601_1602del, p.Glu534fs (NM_001382361.1, NM_001382448.1); c.1613_1614del, p.Glu538fs (NM_001382362.1, NM_178443.3); c.1061_1062del, p.Glu354fs (NM_001382363.1); c.1073_1074del, p.Glu358fs (NM_001382364.1); c.1611_1612AG[1], p.Glu538Glyfs (NM_178443.2); c.1613_1614del (NM_178443.2); short protein forms E354fs, E358fs, E534fs, E538fs.
Identifiers: ClinVar variation 2584467 (VCV002584467.1), dbSNP rs2496031806, ClinGen allele CA2582341875.